The following is an entry in ClinVar:

ClinVar aggregate classification (germline): Uncertain significance (1 of 4 stars; one submission).

Submission:

Labcorp Genetics (formerly Invitae), Labcorp
Classification: Uncertain significance. Last evaluated: 2025-12-02. Review status: criteria provided, single submitter. Criteria: Invitae Variant Classification Sherloc (09022015). Collection method: clinical testing. Allele origin: germline.
Comment: This sequence change falls in intron 8 of the POLR3F gene. It does not directly change the encoded amino acid sequence of the POLR3F protein. The frequency data for this variant in the population databases is considered unreliable, as metrics indicate poor data quality at this position in the gnomAD database. This variant has not been reported in the literature in individuals affected with POLR3F-related conditions. ClinVar contains an entry for this variant (Variation ID: 1978137). Algorithms developed to predict the effect of sequence changes on RNA splicing suggest that this variant may disrupt the consensus splice site. In summary, the available evidence is currently insufficient to determine the role of this variant in disease. Therefore, it has been classified as a Variant of Uncertain Significance.

NM_006466.4(POLR3F):c.874-15_874-12del

Gene: POLR3F (RNA polymerase III subunit F; plus strand). Cytogenetic location: 20p11.23.
Variant type: Deletion.
Coding change: c.874-15_874-12del on transcript NM_006466.4 (MANE Select); 15 bases into the intron before coding-DNA position 874 through 12 bases into the intron before coding-DNA position 874, 4 bases deleted (TTTT; older notation c.874-15_874-12delTTTT).
Molecular consequence: intron variant.
Genome position (GRCh38, 1-based): chr20:18,483,466-18,483,469, TTTT deleted; deleting any 4 consecutive bases within chr20:18,483,461-18,483,469 gives the same sequence; the c. name uses the placement nearest the transcript's 3' end. VCF-style (leftmost placement, unchanged base first): chr20-18483460-ATTTT-A. GRCh37 (hg19) VCF-style: chr20-18464104-ATTTT-A.
Other names: c.751-15_751-12del (NM_001282526.2).
Identifiers: ClinVar variation 1978137 (VCV001978137.5), dbSNP rs760995338, ClinGen allele CA9777646.